The following is an entry in ClinVar:

NM_194292.3(SASS6):c.1549G>T (p.Asp517Tyr)

Gene: SASS6 (SAS-6 centriolar assembly protein; minus strand). Cytogenetic location: 1p21.2.
Variant type: single nucleotide variant.
Coding change: c.1549G>T on transcript NM_194292.3 (MANE Select); coding-DNA position 1549, G replaced by T.
Protein change: p.Asp517Tyr; replaces aspartic acid 517 with tyrosine.
Molecular consequence: missense variant.
Genome position (GRCh38, 1-based): chr1:100,103,080, C>A on the plus strand (G>T on the coding strand, the complement: SASS6 is on the minus strand). VCF-style: chr1-100103080-C-A. GRCh37 (hg19) VCF-style: chr1-100568636-C-A.
Other names: c.1048G>T, p.Asp350Tyr (NM_001304829.2); short protein forms D350Y, D517Y.
Identifiers: ClinVar variation 5039736 (VCV005039736.1).

ClinVar aggregate classification (germline): Likely benign (1 of 4 stars; one submission).

gnomAD v4.1: 5 of 1,580,736 alleles (0.00032%); highest among the groups gnomAD compares: South Asian, 0.0034%; no homozygotes.

Submission:

CeGaT Center for Human Genetics Tuebingen
Classification: Likely benign. Last evaluated: 2026-07-01. Review status: criteria provided, single submitter. Criteria: CeGaT Center For Human Genetics Tuebingen Variant Classification Criteria Version 2. Collection method: clinical testing. Allele origin: germline. Affected: yes. Observed: 1 variant allele.
Comment: SASS6: BP4